The following is an entry in ClinVar:

ClinVar aggregate classification (germline): Uncertain significance. Review status: criteria provided, multiple submitters, no conflicts (2 of 4 stars). 2 submissions from 2 submitters: Uncertain significance (2). Last evaluated 2026-07-09.

Conditions:
Loeys-Dietz syndrome 2 (LDS2). Also called: TGFBR2-Related Loeys-Dietz Syndrome; Marfan Syndrome type 2; Marfan like connective tissue disorder; MFS 2; AORTIC ANEURYSM, FAMILIAL THORACIC 3; MARFAN SYNDROME, TYPE II. Identifiers: Orphanet 284973, Orphanet 558, MedGen C2674574, MONDO:0012427, OMIM 610168.

gnomAD v4.1: 6 of 1,613,982 alleles (0.00037%); highest among the groups gnomAD compares: African/African-American, 0.0013%; no homozygotes.

Submissions (2):

Ambry Genetics
Classification: Uncertain significance. Last evaluated: 2026-07-09. Review status: criteria provided, single submitter. Criteria: Ambry Variant Classification Scheme 2023. Collection method: clinical testing. Allele origin: germline.
Comment: The p.I329V variant (also known as c.985A>G), located in coding exon 4 of the TMPO gene, results from an A to G substitution at nucleotide position 985. The isoleucine at codon 329 is replaced by valine, an amino acid with highly similar properties. This amino acid position is conserved. In addition, this alteration is predicted to be tolerated by in silico analysis. Based on the available evidence, the clinical significance of this variant remains unclear.

Labcorp Genetics (formerly Invitae), Labcorp
Classification: Uncertain significance for Loeys-Dietz syndrome 2. Last evaluated: 2025-12-01. Review status: criteria provided, single submitter. Criteria: Invitae Variant Classification Sherloc (09022015). Collection method: clinical testing. Allele origin: germline.
Comment: This sequence change replaces isoleucine, which is neutral and non-polar, with valine, which is neutral and non-polar, at codon 329 of the TMPO protein (p.Ile329Val). This variant is not present in population databases (gnomAD no frequency). This variant has not been reported in the literature in individuals affected with TMPO-related conditions. Invitae Evidence Modeling of protein sequence and biophysical properties (such as structural, functional, and spatial information, amino acid conservation, physicochemical variation, residue mobility, and thermodynamic stability) indicates that this missense variant is not expected to disrupt TMPO protein function with a negative predictive value of 80%. In summary, the available evidence is currently insufficient to determine the role of this variant in disease. Therefore, it has been classified as a Variant of Uncertain Significance.

NM_001032283.3(TMPO):c.565+1404A>G

Gene: TMPO (thymopoietin; plus strand). Cytogenetic location: 12q23.1.
Variant type: single nucleotide variant.
Coding change: c.565+1404A>G on transcript NM_001032283.3 (MANE Select); 1404 bases into the intron after coding-DNA position 565, A replaced by G.
Molecular consequence: intron variant. On other transcripts: missense variant (1).
Genome position (GRCh38, 1-based): chr12:98,533,242, A>G. VCF-style: chr12-98533242-A-G. GRCh37 (hg19) VCF-style: chr12-98927020-A-G.
Other names: c.985A>G, p.Ile329Val (NM_003276.2); c.565+1404A>G (NM_001307975.2, NM_001032284.3); short protein forms I329V.
Identifiers: ClinVar variation 4802241 (VCV004802241.2).
Genomic context (GRCh38, chr12:98,533,242, plus strand): 5'-GCTTCTCCTTCACTGATTAAAGAAACCACCACTGGTTACTATAAAGACATAGTAGAAAAT[A>G]TTTGCGGTAGAGAGAAAAGTGGAATTCAACCATTATGTCCTGAGAGGTCCCATATTTCAG-3'